The following continues an entry in ClinVar:

NM_000257.4(MYH7):c.1357C>T (p.Arg453Cys)

Gene: MYH7. ClinVar aggregate classification (germline): Pathogenic. Pathogenic (1).

Submissions 21 to 30 of 30:

Stanford Center for Inherited Cardiovascular Disease, Stanford University
Classification: Pathogenic. Last evaluated: 2012-01-31. Review status: criteria provided, single submitter. Criteria: ACMG Guidelines, 2015. Collection method: provider interpretation. Allele origin: germline. Not counted in ClinVar's aggregate classification.

Agnes Ginges Centre for Molecular Cardiology, Centenary Institute
Classification: Pathogenic for Familial hypertrophic cardiomyopathy 1. Review status: criteria provided, single submitter. Criteria: Agnes Ginges Centre for Molecular Cardiology criteria (2015). Collection method: research. Allele origin: germline. Inheritance: Autosomal dominant inheritance. Affected: yes. Not counted in ClinVar's aggregate classification.
Comment: This MYH7 Arg453Cys mutation is well described in the literature. The mutation has been identified in multiple unrelated individuals and families with HCM (see references). This mutation is not a founder mutation but rather, occurs in a well known hotspot region of the MYH7 gene and has an independent origin is each family (Watkins H, et al., 1993). Additionally, a different mutation affecting the same protein position (Arg453Ser) has been identified to also cause HCM (Frazier A, et al., 2008). Interestingly, this MYH7 Arg453Cys mutation has been identified as the cause of disease in the first HCM family described by Teare in 1958 (Watkins H, et al., 1992). This mutation is inherited as an autosomal trait with high penetrance, has been shown to cosegregate with disease, and is associated with unfavourable prognoses in multiple families (Solomon SD, et al., 1990; Watkins H, et al., 1992 & 1993; Ko YL, et al., 1996; Greber-Platzer S, et al., 2001). We have identified this mutation in one HCM family from our cohort. Based on the available literature, segregation analysis, and absence in the Exome Aggregation Consortium dataset, we classify this variant as "pathogenic".

Juno Genomics, Hangzhou Juno Genomics, Inc
Classification: Pathogenic for Hypertrophic cardiomyopathy 1. Review status: criteria provided, single submitter. Criteria: ACMG Guidelines, 2015. Collection method: clinical testing. Allele origin: germline. Affected: yes. Not counted in ClinVar's aggregate classification.
Comment: The prevalence of the variant in affected individuals is significantly increased compared to the prevalence in controls.;Co-segregation with disease in multiple affected family members in a gene definitively known to cause the disease.;Located in a mutational hot spot and/or critical and well-established functional domain (e.g. active site of an enzyme) without benign variation.;Well-established in vitro or in vivo functional studies supportive of a damaging effect on the gene or gene product.

Laboratory of Genetics and Molecular Cardiology, University of São Paulo
Classification: Likely pathogenic for Hypertrophic cardiomyopathy 1. Review status: criteria provided, single submitter. Criteria: LGCM Criteria August 2015. Collection method: clinical testing. Allele origin: germline. Inheritance: Autosomal dominant inheritance. Affected: yes. Observed: 3 variant alleles. Study: Sarcomeric Human Cardiomyopathy Registry (ShaRe). Not counted in ClinVar's aggregate classification.

PreventionGenetics, part of Exact Sciences
Classification: Pathogenic for MYH7-related condition. Last evaluated: 2023-11-17. Review status: no assertion criteria provided. Collection method: clinical testing. Allele origin: germline. Not counted in ClinVar's aggregate classification.
Comment: The MYH7 c.1357C>T variant is predicted to result in the amino acid substitution p.Arg453Cys. This variant was reported in more than twenty unrelated individuals with hypertrophic cardiomyopathy (Watkins et al. 1992. PubMed ID: 1552912; Tables S1A and S1B, Walsh et al. 2017. PubMed ID: 27532257; Franaszczyk et al. 2020. PubMed ID: 32013205). Functional studies support the pathogenicity of this variant (Debold et al. 2007. PubMed ID: 17351073; Sommese et al. 2013. PubMed ID: 23798412). This variant has not been reported in a large population database, indicating this variant is rare. This variant is interpreted as pathogenic by ClinGen Cardiomyopathy Variant Curation Expert Panel. This variant is interpreted as pathogenic.

OMIM
Classification: Pathogenic for CARDIOMYOPATHY, FAMILIAL HYPERTROPHIC, 1. Last evaluated: 1996-05-01. Review status: no assertion criteria provided. Collection method: literature only. Allele origin: germline. Not counted in ClinVar's aggregate classification.

Clinical Genetics DNA and cytogenetics Diagnostics Lab, Erasmus MC, Erasmus Medical Center
Classification: Pathogenic. Review status: no assertion criteria provided. Collection method: clinical testing. Allele origin: germline. Affected: yes. Study: VKGL Data-share Consensus. Not counted in ClinVar's aggregate classification.

Clinical Genetics, Academic Medical Center
Classification: Pathogenic. Review status: no assertion criteria provided. Collection method: clinical testing. Allele origin: germline. Affected: yes. Study: VKGL Data-share Consensus. Not counted in ClinVar's aggregate classification.

Genome Diagnostics Laboratory, University Medical Center Utrecht
Classification: Pathogenic. Review status: no assertion criteria provided. Collection method: clinical testing. Allele origin: germline. Affected: yes. Study: VKGL Data-share Consensus. Not counted in ClinVar's aggregate classification.

Joint Genome Diagnostic Labs from Nijmegen and Maastricht, Radboudumc and MUMC+
Classification: Pathogenic. Review status: no assertion criteria provided. Collection method: clinical testing. Allele origin: germline. Affected: yes. Study: VKGL Data-share Consensus. Not counted in ClinVar's aggregate classification.

Literature cited by the submitters: PubMed 24344137 (cited by 5 submitters); PubMed 12084606 (cited by 4 submitters); PubMed 23349452 (cited by 4 submitters); PubMed 10662815 (cited by 7 submitters); PubMed 17599605 (cited by 3 submitters); PubMed 8655135 (cited by 8 submitters); PubMed 11133230 (cited by 7 submitters); PubMed 12881443 (cited by 5 submitters); PubMed 27532257 (cited by 4 submitters); PubMed 23798412 (cited by 8 submitters); PubMed 29300372 (cited by 3 submitters); PubMed 1552912 (cited by 5 submitters); PubMed 1739523 (cited by Labcorp Genetics (formerly Invitae), Labcorp and Agnes Ginges Centre for Molecular Cardiology, Centenary Institute); PubMed 1975599 (cited by Labcorp Genetics (formerly Invitae), Labcorp and Agnes Ginges Centre for Molecular Cardiology, Centenary Institute); PubMed 8250038 (cited by 3 submitters); PubMed 12975413 (cited by 4 submitters); PubMed 20031618 (cited by Labcorp Genetics (formerly Invitae), Labcorp); PubMed 23283745 (cited by 3 submitters); PubMed 24093860 (cited by Labcorp Genetics (formerly Invitae), Labcorp and Color Diagnostics, LLC DBA Color Health); PubMed 24111713 (cited by Labcorp Genetics (formerly Invitae), Labcorp and Color Diagnostics, LLC DBA Color Health); PubMed 15001446 (cited by 5 submitters); PubMed 17351073 (cited by 5 submitters); PubMed 15858117 (cited by 3 submitters); PubMed 29907873 (cited by Color Diagnostics, LLC DBA Color Health and AiLife Diagnostics); PubMed 32013205 (cited by Color Diagnostics, LLC DBA Color Health and AiLife Diagnostics); PubMed 12951062 (cited by 4 submitters); PubMed 24714796 (cited by Victorian Clinical Genetics Services, Murdoch Childrens Research Institute); PubMed 15856146 (cited by 4 submitters); PubMed 27247418 (cited by AiLife Diagnostics); PubMed 21310275 (cited by AiLife Diagnostics); PubMed 27373729 (cited by AiLife Diagnostics); PubMed 31006259 (cited by AiLife Diagnostics); PubMed 31513939 (cited by AiLife Diagnostics); PubMed 32283115 (cited by AiLife Diagnostics); PubMed 29029073 (cited by AiLife Diagnostics); PubMed 18365899 (cited by AiLife Diagnostics); PubMed 9541100 (cited by AiLife Diagnostics); PubMed 15358028 (cited by Loeys Lab, Universiteit Antwerpen and Laboratory for Molecular Medicine, Mass General Brigham Personalized Medicine); PubMed 7731997 (cited by Laboratory for Molecular Medicine, Mass General Brigham Personalized Medicine); PubMed 17495353 (cited by Laboratory for Molecular Medicine, Mass General Brigham Personalized Medicine); PubMed 12707239 (cited by Laboratory for Molecular Medicine, Mass General Brigham Personalized Medicine); PubMed 22260945 (cited by Laboratory for Molecular Medicine, Mass General Brigham Personalized Medicine); PubMed 16715312 (cited by Laboratory for Molecular Medicine, Mass General Brigham Personalized Medicine); PubMed 18175163 (cited by Agnes Ginges Centre for Molecular Cardiology, Centenary Institute); PubMed 8335820 (cited by Agnes Ginges Centre for Molecular Cardiology, Centenary Institute and Laboratory of Genetics and Molecular Cardiology, University of São Paulo); PubMed 24829265 (cited by Agnes Ginges Centre for Molecular Cardiology, Centenary Institute).